The following is an entry in ClinVar:

ClinVar aggregate classification (germline): Uncertain significance (1 of 4 stars; one submission).

Conditions:
Inborn genetic diseases. Identifiers: MedGen C0950123, MeSH D030342.

Submission:

Ambry Genetics
Classification: Uncertain significance for Inborn genetic diseases. Last evaluated: 2025-09-27. Review status: criteria provided, single submitter. Criteria: Ambry Variant Classification Scheme 2023. Collection method: clinical testing. Allele origin: germline.
Comment: The p.T885S variant (also known as c.2654C>G), located in coding exon 14 of the FANCM gene, results from a C to G substitution at nucleotide position 2654. The threonine at codon 885 is replaced by serine, an amino acid with similar properties. This amino acid position is conserved. In addition, this alteration is predicted to be tolerated by in silico analysis. Based on the available evidence, the clinical significance of this variant remains unclear.

NM_020937.4(FANCM):c.2654C>G (p.Thr885Ser)

Gene: FANCM (FA complementation group M; plus strand). Cytogenetic location: 14q21.2.
Variant type: single nucleotide variant.
Coding change: c.2654C>G on transcript NM_020937.4 (MANE Select); coding-DNA position 2654, C replaced by G.
Protein change: p.Thr885Ser; replaces threonine 885 with serine.
Molecular consequence: missense variant.
Genome position (GRCh38, 1-based): chr14:45,175,408, C>G. VCF-style: chr14-45175408-C-G. GRCh37 (hg19) VCF-style: chr14-45644611-C-G.
Other names: c.2576C>G, p.Thr859Ser (NM_001308133.2); short protein forms T885S, T859S.
Identifiers: ClinVar variation 4619455 (VCV004619455.1).